The following is an entry in ClinVar:

ClinVar aggregate classification (germline): Uncertain significance (1 of 4 stars; one submission).

Allele frequency attached by ClinVar (database versions not stated): gnomAD 0.00001; TOPMed 0.00003; ExAC 0.00004.

Submission:

Labcorp Genetics (formerly Invitae), Labcorp
Classification: Uncertain significance. Last evaluated: 2022-08-21. Review status: criteria provided, single submitter. Criteria: Invitae Variant Classification Sherloc (09022015). Collection method: clinical testing. Allele origin: germline.
Comment: This sequence change replaces arginine, which is basic and polar, with glutamine, which is neutral and polar, at codon 1139 of the ZNF335 protein (p.Arg1139Gln). This variant is present in population databases (rs779169316, gnomAD 0.01%). This variant has not been reported in the literature in individuals affected with ZNF335-related conditions. Algorithms developed to predict the effect of missense changes on protein structure and function (SIFT, PolyPhen-2, Align-GVGD) all suggest that this variant is likely to be tolerated. In summary, the available evidence is currently insufficient to determine the role of this variant in disease. Therefore, it has been classified as a Variant of Uncertain Significance.

NM_022095.4(ZNF335):c.3416G>A (p.Arg1139Gln)

Gene: ZNF335 (zinc finger protein 335; minus strand). Cytogenetic location: 20q13.12.
Variant type: single nucleotide variant.
Coding change: c.3416G>A on transcript NM_022095.4 (MANE Select); coding-DNA position 3416, G replaced by A.
Protein change: p.Arg1139Gln; replaces arginine 1139 with glutamine.
Molecular consequence: missense variant.
Genome position (GRCh38, 1-based): chr20:45,950,290, C>T on the plus strand (G>A on the coding strand, the complement: ZNF335 is on the minus strand). VCF-style: chr20-45950290-C-T. GRCh37 (hg19) VCF-style: chr20-44578929-C-T.
Other names: short protein forms R1139Q.
Identifiers: ClinVar variation 1898126 (VCV001898126.2), dbSNP rs779169316, ClinGen allele CA9885042.